The following is an entry in ClinVar:

ClinVar aggregate classification (germline): Likely benign (1 of 4 stars; one submission).

Allele frequency attached by ClinVar (database versions not stated): 1000 Genomes Project 0.00954; gnomAD 0.00960 and 0.01021; 1000 Genomes Project 30x 0.01082; TOPMed 0.01218.

Submission:

GeneDx
Classification: Likely benign. Last evaluated: 2018-06-19. Review status: criteria provided, single submitter. Criteria: GeneDx Variant Classification (06012015). Collection method: clinical testing. Allele origin: germline. Affected: yes.
Comment: This variant is considered likely benign or benign based on one or more of the following criteria: it is a conservative change, it occurs at a poorly conserved position in the protein, it is predicted to be benign by multiple in silico algorithms, and/or has population frequency not consistent with disease.

NM_002294.3(LAMP2):c.865-242C>A

Gene: LAMP2 (lysosomal associated membrane protein 2; minus strand). Cytogenetic location: Xq24.
Variant type: single nucleotide variant.
Coding change: c.865-242C>A on transcript NM_002294.3 (MANE Select); 242 bases into the intron before coding-DNA position 865, C replaced by A.
Molecular consequence: intron variant.
Genome position (GRCh38, 1-based): chrX:120,442,904, G>T on the plus strand (C>A on the coding strand, the complement: LAMP2 is on the minus strand). VCF-style: chrX-120442904-G-T. GRCh37 (hg19) VCF-style: chrX-119576759-G-T.
Other names: c.865-242C>A (NM_001122606.1, NM_013995.2).
Identifiers: ClinVar variation 678574 (VCV000678574.1), dbSNP rs146283621, ClinGen allele CA335013164.
Genomic context (GRCh38, chrX:120,442,904, plus strand): 5'-TGTATTTTGTTTCCAACTTTTGGAGCACAGGTGTAGTCATGTGGATCTCAGACACTTGAA[G>T]ATTTATGGCCTCAATTTTATTCCTCCTGTCACTTGCTGAGCCCTCACCACCTCTAGCCTG-3'